The following is an entry in ClinVar:

NM_001387430.1(SH2B1):c.1297C>A (p.Arg433Ser)

Gene: SH2B1 (SH2B adaptor protein 1; plus strand). Cytogenetic location: 16p11.2.
Variant type: single nucleotide variant.
Coding change: c.1297C>A on transcript NM_001387430.1 (MANE Select); coding-DNA position 1297, C replaced by A.
Protein change: p.Arg433Ser; replaces arginine 433 with serine.
Molecular consequence: missense variant.
Genome position (GRCh38, 1-based): chr16:28,869,371, C>A. VCF-style: chr16-28869371-C-A. GRCh37 (hg19) VCF-style: chr16-28880692-C-A.
Other names: c.1297C>A, p.Arg433Ser (NM_001145795.2, NM_001145796.2, NM_001145797.2 and 4 more transcripts); c.289C>A, p.Arg97Ser (NM_001308294.2); short protein forms R433S, R97S.
Identifiers: ClinVar variation 3317998 (VCV003317998.2).

ClinVar aggregate classification (germline): Uncertain significance. Review status: criteria provided, multiple submitters, no conflicts (2 of 4 stars). 2 submissions from 2 submitters: Uncertain significance (2). Last evaluated 2024-10-22.

Submissions (2):

GeneDx
Classification: Uncertain significance. Last evaluated: 2024-10-22. Review status: criteria provided, single submitter. Criteria: GeneDx Variant Classification Process June 2021. Collection method: clinical testing. Allele origin: germline. Affected: yes.
Comment: Not observed at significant frequency in large population cohorts (gnomAD); In silico analysis indicates that this missense variant does not alter protein structure/function; Has not been previously published as pathogenic or benign to our knowledge

Ambry Genetics
Classification: Uncertain significance. Last evaluated: 2024-05-15. Review status: criteria provided, single submitter. Criteria: Ambry Variant Classification Scheme 2023. Collection method: clinical testing. Allele origin: germline.